The following is an entry in ClinVar:

ClinVar aggregate classification (germline): Conflicting classifications of pathogenicity. Review status: criteria provided, conflicting classifications (1 of 4 stars). 5 submissions from 5 submitters: Likely pathogenic (2); Uncertain significance (2). 1 of the submissions does not count toward it. Last evaluated 2025-08-15.

Conditions:
ETFDH-related disorder. Also called: ETFDH-related condition.
Multiple acyl-CoA dehydrogenase deficiency (MADD). Also called: ETHYLMALONIC-ADIPICACIDURIA; GA II; Glutaric aciduria, type 2; Glutaric acidemia type II; GA 2; Glutaric Acidemia type 2. Identifiers: Orphanet 26791, MedGen C0268596, MONDO:0009282, OMIM 231680.
Glutaric acidemia type 2C.

Allele frequency attached by ClinVar (database versions not stated): TOPMed 0.00002.

Submissions (5):

Natera, Inc.
Classification: Likely pathogenic for Glutaric acidemia type 2C. Last evaluated: 2025-08-15. Review status: criteria provided, single submitter. Criteria: Natera Variant Classification Schema (03/2026). Collection method: clinical testing. Allele origin: germline.
Comment: The c.679C>T variant in ETFDH is a missense variant predicted to cause substitution of proline to serine at amino acid 227. This variant is rare in the general population with a frequency below the threshold expected for the associated phenotype(s). This variant has been observed in one or more individuals affected with the associated recessive disease, as either homozygous or compound heterozygous with a second variant (PMID: 32007756). This variant has been identified in one or more affected individuals with a phenotype highly consistent with the associated gene (PMID: 32007756). Computational prediction algorithms indicate this variant is likely to affect gene or protein function. Given the available evidence, this variant is classified as Likely Pathogenic.

Blueprint Genetics
Classification: Uncertain significance. Last evaluated: 2024-07-25. Review status: criteria provided, single submitter. Criteria: ACMG Guidelines, 2015. Collection method: clinical testing. Allele origin: germline.

Fulgent Genetics
Classification: Likely pathogenic for Multiple acyl-CoA dehydrogenase deficiency. Last evaluated: 2024-03-15. Review status: criteria provided, single submitter. Criteria: ACMG Guidelines, 2015. Collection method: clinical testing. Allele origin: germline.

Women's Health and Genetics/Laboratory Corporation of America, LabCorp
Classification: Uncertain significance. Last evaluated: 2024-03-14. Review status: criteria provided, single submitter. Criteria: LabCorp Variant Classification Summary - May 2015. Collection method: clinical testing. Allele origin: germline.
Comment: Variant summary: ETFDH c.679C>T (p.Pro227Ser) results in a non-conservative amino acid change in the encoded protein sequence. Five of five in-silico tools predict a damaging effect of the variant on protein function. The variant was absent in 251428 control chromosomes (gnomAD). c.679C>T has been reported in the literature in individuals affected with Lipid storage myopathy (Nilipour_2020). These data indicate that the variant may be associated with disease. To our knowledge, no experimental evidence demonstrating an impact on protein function has been reported. The following publication has been ascertained in the context of this evaluation (PMID: 32007756). No submitters have cited clinical-significance assessments for this variant to ClinVar. Based on the evidence outlined above, the variant was classified as VUS-possibly pathogenic.

PreventionGenetics, part of Exact Sciences
Classification: Uncertain significance for ETFDH-related condition. Last evaluated: 2024-06-25. Review status: no assertion criteria provided. Collection method: clinical testing. Allele origin: germline. Not counted in ClinVar's aggregate classification.
Comment: The ETFDH c.679C>T variant is predicted to result in the amino acid substitution p.Pro227Ser. This variant has been reported, along with a second ETFDH variant, in two patients with lipid storage myopathy (Nilipour et al. 2020. PubMed ID: 32007756). An alternate substitution of the same amino acid (p.Pro227Thr) was reported in the homozygous state, along with a homozygous PHGDH variant, in an individual reportedly affected with both glutaric aciduria type II and serine deficiency (Ali et al. 2021. PubMed ID: 34066864). The c.679C>T (p.Pro227Ser) variant has not been reported in a large population database, indicating this variant is rare. Although we suspect this variant may be pathogenic, at this time its clinical significance is uncertain due to the absence of conclusive functional and genetic evidence.

Literature cited by the submitters: PubMed 32007756 (cited by Natera, Inc. and Women's Health and Genetics/Laboratory Corporation of America, LabCorp).

NM_004453.4(ETFDH):c.679C>T (p.Pro227Ser)

Gene: ETFDH (electron transfer flavoprotein dehydrogenase; plus strand). Cytogenetic location: 4q32.1.
Variant type: single nucleotide variant.
Coding change: c.679C>T on transcript NM_004453.4 (MANE Select); coding-DNA position 679, C replaced by T.
Protein change: p.Pro227Ser; replaces proline 227 with serine.
Molecular consequence: missense variant.
Genome position (GRCh38, 1-based): chr4:158,690,420, C>T. VCF-style: chr4-158690420-C-T. GRCh37 (hg19) VCF-style: chr4-159611572-C-T.
Other names: c.538C>T, p.Pro180Ser (NM_001281737.2); c.496C>T, p.Pro166Ser (NM_001281738.1); c.679C>T (NM_004453.3); short protein forms P166S, P180S, P227S.
Identifiers: ClinVar variation 3233946 (VCV003233946.6), dbSNP rs141407224, ClinGen allele CA108807371.